The following is an entry in ClinVar:

ClinVar aggregate classification (germline): Uncertain significance. Review status: criteria provided, multiple submitters, no conflicts (2 of 4 stars). 4 submissions from 4 submitters: Uncertain significance (4). Last evaluated 2025-11-08.

Conditions:
Hereditary cancer-predisposing syndrome. Also called: Hereditary Cancer Syndrome; Neoplastic Syndromes, Hereditary; Tumor predisposition; Hereditary neoplastic syndrome. Identifiers: Orphanet 140162, MedGen C0027672, MeSH D009386, MONDO:0015356.
Colorectal cancer, susceptibility to, 12 (CRCS12). Also called: COLORECTAL CANCER, SUSCEPTIBILITY TO, ON CHROMOSOME 12q24. Identifiers: Orphanet 220460, MedGen C3554460, MONDO:0014038, OMIM 615083.

Allele frequency attached by ClinVar (database versions not stated): gnomAD 0.00001 and 0.00002; gnomAD exomes 0.00002 and 0.00003; TOPMed 0.00002; ExAC 0.00005.
gnomAD v4.1: 35 of 1,588,174 alleles (0.0022%); highest among the groups gnomAD compares: South Asian, 0.038%; no homozygotes.

Submissions (4):

Labcorp Genetics (formerly Invitae), Labcorp
Classification: Uncertain significance. Last evaluated: 2025-11-08. Review status: criteria provided, single submitter. Criteria: Invitae Variant Classification Sherloc (09022015). Collection method: clinical testing. Allele origin: germline.
Comment: This sequence change replaces threonine, which is neutral and polar, with alanine, which is neutral and non-polar, at codon 1666 of the POLE protein (p.Thr1666Ala). This variant is present in population databases (rs761329946, gnomAD 0.02%). This variant has not been reported in the literature in individuals affected with POLE-related conditions. ClinVar contains an entry for this variant (Variation ID: 1023615). Invitae Evidence Modeling of protein sequence and biophysical properties (such as structural, functional, and spatial information, amino acid conservation, physicochemical variation, residue mobility, and thermodynamic stability) indicates that this missense variant is not expected to disrupt POLE protein function with a negative predictive value of 80%. In summary, the available evidence is currently insufficient to determine the role of this variant in disease. Therefore, it has been classified as a Variant of Uncertain Significance.

Ambry Genetics
Classification: Uncertain significance for Hereditary cancer-predisposing syndrome. Last evaluated: 2025-01-02. Review status: criteria provided, single submitter. Criteria: Ambry Variant Classification Scheme 2023. Collection method: clinical testing. Allele origin: germline.
Comment: The p.T1666A variant (also known as c.4996A>G), located in coding exon 38 of the POLE gene, results from an A to G substitution at nucleotide position 4996. The threonine at codon 1666 is replaced by alanine, an amino acid with similar properties. This amino acid position is conserved. In addition, this alteration is predicted to be tolerated by in silico analysis. Since supporting evidence is limited at this time, the clinical significance of this alteration remains unclear.

Neuberg Centre For Genomic Medicine, NCGM
Classification: Uncertain significance for Colorectal cancer, susceptibility to, 12. Last evaluated: 2023-06-22. Review status: criteria provided, single submitter. Criteria: ACMG Guidelines, 2015. Collection method: clinical testing. Allele origin: germline. Inheritance: Autosomal dominant inheritance. Affected: yes.
Comment: The missense c.4996A>G (p.Thr1666Ala) variant in POLE gene has not been reported previously as a pathogenic variant nor as a benign variant, to our knowledge. The p.Thr1666Ala variant is present with allele frequency of 0.003% in gnomAD Exomes. This variant has been submitted to the ClinVar database as Uncertain Significance. Multiple lines of computational evidence (Polyphen - Benign, SIFT - Tolerated and MutationTaster - Disease causing) predict conflicting evidence on protein structure and function for this variant. The reference amino acid at this position on POLE is predicted as conserved by GERP++ and PhyloP across 100 vertebrates. The amino acid Thr at position 1666 is changed to a Ala changing protein sequence and it might alter its composition and physico-chemical properties. For these reasons, this variant has been classified as a Variant of Uncertain Significance (VUS).

GeneDx
Classification: Uncertain significance. Last evaluated: 2020-11-09. Review status: criteria provided, single submitter. Criteria: GeneDx Variant Classification Process June 2021. Collection method: clinical testing. Allele origin: germline. Affected: yes.
Comment: Has not been previously published as pathogenic or benign to our knowledge; In silico analysis supports that this missense variant does not alter protein structure/function

NM_006231.4(POLE):c.4996A>G (p.Thr1666Ala)

Gene: POLE (DNA polymerase epsilon, catalytic subunit; minus strand). Cytogenetic location: 12q24.33.
Variant type: single nucleotide variant.
Coding change: c.4996A>G on transcript NM_006231.4 (MANE Select); coding-DNA position 4996, A replaced by G.
Protein change: p.Thr1666Ala; replaces threonine 1666 with alanine.
Molecular consequence: missense variant.
Genome position (GRCh38, 1-based): chr12:132,642,354, T>C on the plus strand (A>G on the coding strand, the complement: POLE is on the minus strand). VCF-style: chr12-132642354-T-C. GRCh37 (hg19) VCF-style: chr12-133218940-T-C.
Other names: short protein forms T1666A.
Identifiers: ClinVar variation 1023615 (VCV001023615.12), dbSNP rs761329946, ClinGen allele CA6892643.
Genomic context (GRCh38, chr12:132,642,354, plus strand): 5'-GCCAGAGCAGGTGGTTGTGGCGCTGGAGGTGGCGGGCAAAGAAGAGGTCGGAGCCGAATG[T>C]GGAGATGTCCTCTGGTAGGTTCCCAATGGGAATGTGAAAGTACCTGCACCAGGGCACAGG-3'
Protein context (NP_006222.2, residues 1656-1676): PIGNLPEDIS[Thr1666Ala]FGSDLFFARH